The following is an entry in ClinVar:

NM_019066.5(MAGEL2):c.1780C>T (p.Pro594Ser)

Gene: MAGEL2 (MAGE family member L2; minus strand). Cytogenetic location: 15q11.2.
Variant type: single nucleotide variant.
Coding change: c.1780C>T on transcript NM_019066.5 (MANE Select); coding-DNA position 1780, C replaced by T.
Protein change: p.Pro594Ser; replaces proline 594 with serine.
Molecular consequence: missense variant.
Genome position (GRCh38, 1-based): chr15:23,645,963, G>A on the plus strand (C>T on the coding strand, the complement: MAGEL2 is on the minus strand). VCF-style: chr15-23645963-G-A. GRCh37 (hg19) VCF-style: chr15-23891110-G-A.
Other names: short protein forms P594S.
Identifiers: ClinVar variation 2235260 (VCV002235260.2), dbSNP rs1189376438, ClinGen allele CA391333343.

ClinVar aggregate classification (germline): Uncertain significance (1 of 4 stars; one submission).

Conditions:
Inborn genetic diseases. Identifiers: MedGen C0950123, MeSH D030342.

gnomAD v4.1: 12 of 1,563,842 alleles (0.00077%); highest among the groups gnomAD compares: East Asian, 0.0047%; no homozygotes.

Submission:

Ambry Genetics
Classification: Uncertain significance for Inborn genetic diseases. Last evaluated: 2021-07-06. Review status: criteria provided, single submitter. Criteria: Ambry Variant Classification Scheme 2023. Collection method: clinical testing. Allele origin: germline.
Comment: Imprinted gene; pathogenic alterations on the paternal allele cause disease Based on insufficient or conflicting evidence, the clinical significance of this alteration remains unclear.